The following is an entry in ClinVar:

ClinVar aggregate classification (germline): Uncertain significance. Review status: criteria provided, multiple submitters, no conflicts (2 of 4 stars). 2 submissions from 2 submitters: Uncertain significance (2). Last evaluated 2025-08-30.

Conditions:
Inborn genetic diseases. Identifiers: MedGen C0950123, MeSH D030342.
Neuropathy, hereditary sensory, type 1F. Also called: HSN IF; Hereditary sensory neuropathy type IF. Identifiers: Orphanet 36386, MedGen C3810194, MONDO:0014286, OMIM 615632.

Submissions (2):

Ambry Genetics
Classification: Uncertain significance for Inborn genetic diseases. Last evaluated: 2025-08-30. Review status: criteria provided, single submitter. Criteria: Ambry Variant Classification Scheme 2023. Collection method: clinical testing. Allele origin: germline.

Labcorp Genetics (formerly Invitae), Labcorp
Classification: Uncertain significance for Neuropathy, hereditary sensory, type 1F. Last evaluated: 2025-08-18. Review status: criteria provided, single submitter. Criteria: Invitae Variant Classification Sherloc (09022015). Collection method: clinical testing. Allele origin: germline.
Comment: This sequence change replaces aspartic acid, which is acidic and polar, with asparagine, which is neutral and polar, at codon 259 of the ATL3 protein (p.Asp259Asn). This variant is not present in population databases (gnomAD no frequency). This variant has not been reported in the literature in individuals affected with ATL3-related conditions. Invitae Evidence Modeling of protein sequence and biophysical properties (such as structural, functional, and spatial information, amino acid conservation, physicochemical variation, residue mobility, and thermodynamic stability) indicates that this missense variant is not expected to disrupt ATL3 protein function with a negative predictive value of 80%. In summary, the available evidence is currently insufficient to determine the role of this variant in disease. Therefore, it has been classified as a Variant of Uncertain Significance.

NM_015459.5(ATL3):c.775G>A (p.Asp259Asn)

Genes: ATL3 (atlastin GTPase 3; minus strand), LNCROPM (lncRNA regulator of PLAAT3 mediated phospholipid metabolism; plus strand). Cytogenetic location: 11q13.1.
Variant type: single nucleotide variant.
Coding change: c.775G>A on transcript NM_015459.5 (MANE Select); coding-DNA position 775, G replaced by A.
Protein change: p.Asp259Asn; replaces aspartic acid 259 with asparagine.
Molecular consequence: missense variant.
Genome position (GRCh38, 1-based): chr11:63,643,432, C>T on the plus strand (G>A on the coding strand, the complement: ATL3 is on the minus strand). VCF-style: chr11-63643432-C-T. GRCh37 (hg19) VCF-style: chr11-63410904-C-T.
Other names: c.721G>A, p.Asp241Asn (NM_001290048.2); c.724G>A, p.Asp242Asn (NM_001440716.1); c.718G>A, p.Asp240Asn (NM_001440717.1); c.775G>A, p.Asp259Asn (NM_001440718.1); c.670G>A, p.Asp224Asn (NM_001440719.1); c.664G>A, p.Asp222Asn (NM_001440720.1); c.619G>A, p.Asp207Asn (NM_001440721.1); c.562G>A, p.Asp188Asn (NM_001440722.1); short protein forms D207N, D222N, D241N, D188N, D240N, D224N, D259N, D242N.
Identifiers: ClinVar variation 4165084 (VCV004165084.2).
Genomic context (GRCh38, chr11:63,643,432, plus strand): 5'-CAAAGTCAGGGCTTGTGGCCACCTGGAGTCCTGGATGTGGTAAGAGAAAGCAGGTGACAT[C>T]GGAGAAACATGAGTGAATGTGATTTCGAACATTCTGAATTTCTTCATGTTGATGTTCCTT-3'
Protein context (NP_056274.3, residues 249-269): VRNHIHSCFS[Asp259Asn]VTCFLLPHPG